The following is an entry in ClinVar:

NM_000388.4(CASR):c.1983C>A (p.Cys661Ter)

Gene: CASR (calcium sensing receptor; plus strand). Cytogenetic location: 3q21.1.
Variant type: single nucleotide variant.
Coding change: c.1983C>A on transcript NM_000388.4 (MANE Select); coding-DNA position 1983, C replaced by A.
Protein change: p.Cys661Ter; replaces cysteine 661 with a stop codon.
Molecular consequence: nonsense.
Genome position (GRCh38, 1-based): chr3:122,283,937, C>A. VCF-style: chr3-122283937-C-A. GRCh37 (hg19) VCF-style: chr3-122002784-C-A.
Other names: c.2013C>A, p.Cys671Ter (NM_001178065.2); short protein forms C661*, C671*.
Identifiers: ClinVar variation 941127 (VCV000941127.8), dbSNP rs2074926931, ClinGen allele CA354158235.
Genomic context (GRCh38, chr3:122,283,937, plus strand): 5'-CATTGTCAAGGCCACCAACCGAGAGCTCTCCTACCTCCTCCTCTTCTCCCTGCTCTGCTG[C>A]TTCTCCAGCTCCCTGTTCTTCATCGGGGAGCCCCAGGACTGGACGTGCCGCCTGCGCCAG-3'

ClinVar aggregate classification (germline): Pathogenic (1 of 4 stars; one submission).

Conditions:
Familial hypocalciuric hypercalcemia (FHH). Also called: Familial benign hypercalcemia. Identifiers: Orphanet 405, MedGen C1809471, MONDO:0018458.
Autosomal dominant hypocalcemia 1 (HYPOC1). Also called: HYPOCALCEMIA, FAMILIAL. Identifiers: MedGen C3715128, MONDO:0011013, OMIM 601198.

Submission:

Labcorp Genetics (formerly Invitae), Labcorp
Classification: Pathogenic for Familial hypocalciuric hypercalcemia; Autosomal dominant hypocalcemia 1. Last evaluated: 2021-09-29. Review status: criteria provided, single submitter. Criteria: Invitae Variant Classification Sherloc (09022015). Collection method: clinical testing. Allele origin: germline.
Comment: This sequence change creates a premature translational stop signal (p.Cys661*) in the CASR gene. While this is not anticipated to result in nonsense mediated decay, it is expected to disrupt the last 418 amino acids of the CASR protein. This variant is not present in population databases (ExAC no frequency). This variant has not been reported in the literature in individuals affected with CASR-related conditions. ClinVar contains an entry for this variant (Variation ID: 941127). This variant disrupts a region of the CASR protein in which other variant(s) (p.Ser749) have been determined to be pathogenic (PMID: 9395465; Invitae). This suggests that this is a clinically significant region of the protein, and that variants that disrupt it are likely to be disease-causing. For these reasons, this variant has been classified as Pathogenic.

Literature cited by the submitters: PubMed 9395465.